The following is an entry in ClinVar:

ClinVar aggregate classification (germline): Uncertain significance (1 of 4 stars; one submission).

Submission:

Labcorp Genetics (formerly Invitae), Labcorp
Classification: Uncertain significance. Last evaluated: 2022-08-22. Review status: criteria provided, single submitter. Criteria: Invitae Variant Classification Sherloc (09022015). Collection method: clinical testing. Allele origin: germline.
Comment: In summary, the available evidence is currently insufficient to determine the role of this variant in disease. Therefore, it has been classified as a Variant of Uncertain Significance. This variant has not been reported in the literature in individuals affected with LPIN1-related conditions. A copy number gain of the genomic region encompassing the full coding sequence of the LPIN1 gene has been identified. The boundaries of this event are unknown as they extend beyond the assayed region for this gene and therefore may encompass additional genes. As the precise location of this event is unknown, it may be in tandem or it may be located elsewhere in the genome.

NC_000002.11:g.(?_11905668)_(11964917_?)dup

Gene: LPIN1 (lipin 1; plus strand). Cytogenetic location: 2p25.1.
Variant type: Duplication.
Identifiers: ClinVar variation 2427339 (VCV002427339.4).